The following is an entry in ClinVar:

NM_004183.4(BEST1):c.481+3G>A

Gene: BEST1 (bestrophin 1; plus strand). Cytogenetic location: 11q12.3.
Variant type: single nucleotide variant.
Coding change: c.481+3G>A on transcript NM_004183.4 (MANE Select); 3 bases into the intron after coding-DNA position 481, G replaced by A.
Molecular consequence: intron variant.
Genome position (GRCh38, 1-based): chr11:61,955,954, G>A. VCF-style: chr11-61955954-G-A. GRCh37 (hg19) VCF-style: chr11-61723426-G-A.
Other names: c.481+3G>A (NM_001363592.2, NM_001440571.1, NM_001440572.1 and 1 more transcripts); c.301+3G>A (NM_001139443.3, NM_001300787.2, NM_001440574.1 and 3 more transcripts); c.-695+3G>A (NM_001363593.3); c.163+3G>A (NM_001363591.3).
Identifiers: ClinVar variation 958562 (VCV000958562.9), dbSNP rs745906498, ClinGen allele CA222936374.

ClinVar aggregate classification (germline): Conflicting classifications of pathogenicity. Review status: criteria provided, conflicting classifications (1 of 4 stars). 3 submissions from 3 submitters: Uncertain significance (1); Likely benign (2). Last evaluated 2025-12-17.

Conditions:
BEST1-related disorder. Also called: BEST1-related disorders; BEST1-related condition. Identifiers: MedGen CN239200.

Allele frequency attached by ClinVar (database versions not stated): gnomAD exomes 0.00001 and 0.00003; TOPMed 0.00002; gnomAD 0.00003.
gnomAD v4.1: 39 of 1,545,140 alleles (0.0025%); highest among the groups gnomAD compares: African/African-American, 0.0041%; no homozygotes.

Submissions (3):

PreventionGenetics, part of Exact Sciences
Classification: Likely benign for BEST1-related condition. Last evaluated: 2025-12-17. Review status: criteria provided, single submitter. Criteria: ACMG Guidelines, 2015. Collection method: clinical testing. Allele origin: germline.
Comment: This variant is classified as likely benign based on ACMG/AMP sequence variant interpretation guidelines (Richards et al. 2015 PMID: 25741868, with internal and published modifications).

Labcorp Genetics (formerly Invitae), Labcorp
Classification: Uncertain significance. Last evaluated: 2023-10-03. Review status: criteria provided, single submitter. Criteria: Invitae Variant Classification Sherloc (09022015). Collection method: clinical testing. Allele origin: germline.
Comment: This sequence change falls in intron 4 of the BEST1 gene. It does not directly change the encoded amino acid sequence of the BEST1 protein. It affects a nucleotide within the consensus splice site. The frequency data for this variant in the population databases is considered unreliable, as metrics indicate poor data quality at this position in the gnomAD database. This variant has not been reported in the literature in individuals affected with BEST1-related conditions. ClinVar contains an entry for this variant (Variation ID: 958562). Variants that disrupt the consensus splice site are a relatively common cause of aberrant splicing (PMID: 17576681, 9536098). Algorithms developed to predict the effect of sequence changes on RNA splicing suggest that this variant is not likely to affect RNA splicing. In summary, the available evidence is currently insufficient to determine the role of this variant in disease. Therefore, it has been classified as a Variant of Uncertain Significance.

Blueprint Genetics
Classification: Likely benign. Last evaluated: 2022-06-23. Review status: criteria provided, single submitter. Criteria: ACMG Guidelines, 2015. Collection method: clinical testing. Allele origin: germline.

Literature cited by the submitters: PubMed 17576681 (cited by Labcorp Genetics (formerly Invitae), Labcorp); PubMed 9536098 (cited by Labcorp Genetics (formerly Invitae), Labcorp).